The following is an entry in ClinVar:

ClinVar aggregate classification (germline): Uncertain significance (1 of 4 stars; one submission).

Submission:

GeneDx
Classification: Uncertain significance. Last evaluated: 2020-12-31. Review status: criteria provided, single submitter. Criteria: GeneDx Variant Classification Process June 2021. Collection method: clinical testing. Allele origin: germline. Affected: yes.
Comment: In-frame deletion of 2 amino acids in a non-repeat region; In silico analysis supports a deleterious effect on protein structure/function; Has not been previously published as pathogenic or benign to our knowledge

NM_001099857.5(IKBKG):c.487_492del (p.Ala163_Thr164del)

Gene: IKBKG (inhibitor of nuclear factor kappa B kinase regulatory subunit gamma; plus strand). Cytogenetic location: Xq28.
Variant type: Deletion.
Coding change: c.487_492del on transcript NM_001099857.5 (MANE Select); coding-DNA positions 487 to 492, 6 bases deleted (GCCACT; older notation c.487_492delGCCACT).
Protein change: p.Ala163_Thr164del.
Molecular consequence: inframe deletion. On other transcripts: intron variant (1).
Genome position (GRCh38, 1-based): chrX:154,558,619-154,558,624, GCCACT deleted; deleting any 6 consecutive bases within chrX:154,558,617-154,558,624 gives the same sequence; the c. name uses the placement nearest the transcript's 3' end. VCF-style (leftmost placement, unchanged base first): chrX-154558616-GCTGCCA-G. GRCh37 (hg19) VCF-style: chrX-153786831-GCTGCCA-G.
Other names: c.691_696del, p.Ala231_Thr232del (NM_001099856.6); c.487_492del, p.Ala163_Thr164del (NM_001145255.4, NM_001321396.3, NM_001377312.1 and 1 more transcripts); c.484_489del, p.Ala162_Thr163del (NM_001321397.3, NM_001377313.1, NM_001377314.1); c.399+2243_399+2248del (NM_001377315.1).
Identifiers: ClinVar variation 1313909 (VCV001313909.2), dbSNP rs2148379046, ClinGen allele CA2573055175.